The following is an entry in ClinVar:

ClinVar aggregate classification (germline): Pathogenic (1 of 4 stars; one submission).

Conditions:
PURA-related severe neonatal hypotonia-seizures-encephalopathy syndrome (NEDRIHF). Also called: PURA-Related Neurodevelopmental Disorders; NEURODEVELOPMENTAL DISORDER WITH NEONATAL RESPIRATORY INSUFFICIENCY, HYPOTONIA, AND FEEDING DIFFICULTIES. Identifiers: Orphanet 438213, Orphanet 438216, MedGen C4015357, MONDO:1060108, OMIM 616158, MONDO:0018580.

Submission:

Labcorp Genetics (formerly Invitae), Labcorp
Classification: Pathogenic for PURA-related severe neonatal hypotonia-seizures-encephalopathy syndrome. Last evaluated: 2024-04-02. Review status: criteria provided, single submitter. Criteria: Invitae Variant Classification Sherloc (09022015). Collection method: clinical testing. Allele origin: germline.
Comment: This sequence change creates a premature translational stop signal (p.Lys154*) in the PURA gene. While this is not anticipated to result in nonsense mediated decay, it is expected to disrupt the last 169 amino acid(s) of the PURA protein. This variant is not present in population databases (gnomAD no frequency). This variant has not been reported in the literature in individuals affected with PURA-related conditions. This variant disrupts a region of the PURA protein in which other variant(s) (p.Thr310Asnfs*7) have been determined to be pathogenic (Invitae). This suggests that this is a clinically significant region of the protein, and that variants that disrupt it are likely to be disease-causing. For these reasons, this variant has been classified as Pathogenic.

NM_005859.5(PURA):c.460A>T (p.Lys154Ter)

Gene: PURA (purine rich element binding protein A; plus strand). Cytogenetic location: 5q31.3.
Variant type: single nucleotide variant.
Coding change: c.460A>T on transcript NM_005859.5 (MANE Select); coding-DNA position 460, A replaced by T.
Protein change: p.Lys154Ter; replaces lysine 154 with a stop codon.
Molecular consequence: nonsense.
Genome position (GRCh38, 1-based): chr5:140,114,641, A>T. VCF-style: chr5-140114641-A-T. GRCh37 (hg19) VCF-style: chr5-139494226-A-T.
Other names: short protein forms K154*.
Identifiers: ClinVar variation 3648163 (VCV003648163.2).